The following is an entry in ClinVar:

ClinVar aggregate classification (germline): Pathogenic (1 of 4 stars; one submission).

Conditions:
Mucolipidosis type II. Also called: ML II ALPHA/BETA; Mucolipidosis 2; ML 2; Inclusion cell disease; Leroy Disease; N-acetylglucosamine 1phosphotransferase deficiency. Identifiers: Orphanet 576, MedGen C2673377, MONDO:0009650, OMIM 252500.
Pseudo-Hurler polydystrophy. Also called: ML III; ML III ALPHA/BETA; Type III Mucolipidosis; ML IIIA; Mucolipidosis III Alpha/Beta; MUCOLIPIDOSIS IIIA. Identifiers: Orphanet 423461, Orphanet 577, MedGen C0033788, MONDO:0018931, OMIM 252600.

Submission:

Labcorp Genetics (formerly Invitae), Labcorp
Classification: Pathogenic for Pseudo-Hurler polydystrophy; Mucolipidosis type II. Last evaluated: 2023-08-02. Review status: criteria provided, single submitter. Criteria: Invitae Variant Classification Sherloc (09022015). Collection method: clinical testing. Allele origin: germline.
Comment: For these reasons, this variant has been classified as Pathogenic. This variant has not been reported in the literature in individuals affected with GNPTAB-related conditions. This variant is not present in population databases (gnomAD no frequency). This sequence change creates a premature translational stop signal (p.Gln1067*) in the GNPTAB gene. It is expected to result in an absent or disrupted protein product. Loss-of-function variants in GNPTAB are known to be pathogenic (PMID: 19617216, 25107912).

Literature cited by the submitters: PubMed 19617216; PubMed 25107912.

NM_024312.5(GNPTAB):c.3199C>T (p.Gln1067Ter)

Gene: GNPTAB (N-acetylglucosamine-1-phosphate transferase subunits alpha and beta; minus strand). Cytogenetic location: 12q23.2.
Variant type: single nucleotide variant.
Coding change: c.3199C>T on transcript NM_024312.5 (MANE Select); coding-DNA position 3199, C replaced by T.
Protein change: p.Gln1067Ter; replaces glutamine 1067 with a stop codon.
Molecular consequence: nonsense.
Genome position (GRCh38, 1-based): chr12:101,760,080, G>A on the plus strand (C>T on the coding strand, the complement: GNPTAB is on the minus strand). VCF-style: chr12-101760080-G-A. GRCh37 (hg19) VCF-style: chr12-102153858-G-A.
Other names: short protein forms Q1067*.
Identifiers: ClinVar variation 2950579 (VCV002950579.3), dbSNP rs2547953413, ClinGen allele CA386294711.